The following is an entry in ClinVar:

NC_000006.11:g.(?_108246002)_(108250738_?)del

Gene: SEC63 (SEC63 homolog, protein translocation regulator; minus strand). Cytogenetic location: 6q21.
Variant type: Deletion.
Identifiers: ClinVar variation 1458698 (VCV001458698.4).

ClinVar aggregate classification (germline): Pathogenic (1 of 4 stars; one submission).

Submission:

Labcorp Genetics (formerly Invitae), Labcorp
Classification: Pathogenic. Last evaluated: 2021-12-03. Review status: criteria provided, single submitter. Criteria: Invitae Variant Classification Sherloc (09022015). Collection method: clinical testing. Allele origin: germline.
Comment: For these reasons, this variant has been classified as Pathogenic. This variant has not been reported in the literature in individuals affected with SEC63-related conditions. This variant is a gross deletion of the genomic region encompassing exon(s) 2-3 of the SEC63 gene. This deletion is out-of-frame, and is expected to create a premature termination codon and result in an absent or disrupted protein product. Loss-of-function variants in SEC63 are known to be pathogenic (PMID: 20095989, 28375157).

Literature cited by the submitters: PubMed 20095989; PubMed 28375157.